The following is an entry in ClinVar:

ClinVar aggregate classification (germline): Likely benign (0 of 4 stars; one submission).

Conditions:
TMEM107-related disorder. Also called: TMEM107-related condition.

Submission:

PreventionGenetics, part of Exact Sciences
Classification: Likely benign for TMEM107-related condition. Last evaluated: 2024-05-08. Review status: no assertion criteria provided. Collection method: clinical testing. Allele origin: germline.
Comment: This variant is classified as likely benign based on ACMG/AMP sequence variant interpretation guidelines (Richards et al. 2015 PMID: 25741868, with internal and published modifications).

NM_183065.4(TMEM107):c.289C>T (p.Leu97=)

Genes: TMEM107 (transmembrane protein 107; minus strand), LOC105371520 (uncharacterized LOC105371520; plus strand). Cytogenetic location: 17p13.1.
Variant type: single nucleotide variant.
Coding change: c.289C>T on transcript NM_183065.4 (MANE Select); coding-DNA position 289, C replaced by T.
Protein change: p.Leu97=; no amino-acid change (leucine 97 retained).
Molecular consequence: synonymous variant. On other transcripts: intron variant (1).
Genome position (GRCh38, 1-based): chr17:8,174,584, G>A on the plus strand (C>T on the coding strand, the complement: TMEM107 is on the minus strand). VCF-style: chr17-8174584-G-A. GRCh37 (hg19) VCF-style: chr17-8077902-G-A.
Other names: c.307C>T, p.Leu103= (NM_001351278.2, NM_032354.5); c.289C>T, p.Leu97= (NM_001351279.2); c.156-312C>T (NM_001351280.2).
Identifiers: ClinVar variation 3348668 (VCV003348668.1).
Genomic context (GRCh38, chr17:8,174,584, plus strand): 5'-AGAAGACAAAAATGTACCAATACGTAGTGCACTCCCAACGCTCGAATATGAAGAAGGACA[G>A]GGCCACGGATGCACTACAGTGAGCCCCAATGGCTTGGGAAGGCACGAGATTAAGGAAAGT-3'
Protein context (NP_898888.1, residues 87-107): IGAHCSASVA[Leu97=]SFFIFERWEC